The following is an entry in ClinVar:

ClinVar aggregate classification (germline): Uncertain significance. Review status: criteria provided, single submitter (1 of 4 stars). 2 submissions from 2 submitters: Uncertain significance (1). 1 of the submissions does not count toward it. Last evaluated 2025-02-24.

Conditions:
Joubert syndrome. Also called: CEREBELLOPARENCHYMAL DISORDER IV; JOUBERT-BOLTSHAUSER SYNDROME; Familial aplasia of the vermis. Identifiers: Orphanet 475, MedGen C5979921, MONDO:0018772.
Orofaciodigital syndrome I (OFD1). Also called: OFDS I; Papillon-Leage and Psaume Syndrome; Oral-Facial-Digital Syndrome Type I. Identifiers: Orphanet 2750, MedGen C1510460, MONDO:0010702, OMIM 311200.
OFD1-related disorder. Also called: OFD1-related condition.

Allele frequency attached by ClinVar (database versions not stated): gnomAD exomes below 0.00001.
gnomAD v4.1: 2 of 1,211,643 alleles (0.00017%); highest among the groups gnomAD compares: Admixed American, 0.0022%; no homozygotes.

Submissions (2):

Labcorp Genetics (formerly Invitae), Labcorp
Classification: Uncertain significance for Orofaciodigital syndrome I; Joubert syndrome. Last evaluated: 2025-02-24. Review status: criteria provided, single submitter. Criteria: Invitae Variant Classification Sherloc (09022015). Collection method: clinical testing. Allele origin: germline.
Comment: This sequence change replaces lysine, which is basic and polar, with glutamic acid, which is acidic and polar, at codon 21 of the OFD1 protein (p.Lys21Glu). This variant is present in population databases (no rsID available, gnomAD 0.004%). This variant has not been reported in the literature in individuals affected with OFD1-related conditions. ClinVar contains an entry for this variant (Variation ID: 2150913). Invitae Evidence Modeling of protein sequence and biophysical properties (such as structural, functional, and spatial information, amino acid conservation, physicochemical variation, residue mobility, and thermodynamic stability) indicates that this missense variant is not expected to disrupt OFD1 protein function with a negative predictive value of 80%. In summary, the available evidence is currently insufficient to determine the role of this variant in disease. Therefore, it has been classified as a Variant of Uncertain Significance.

PreventionGenetics, part of Exact Sciences
Classification: Uncertain significance for OFD1-related condition. Last evaluated: 2024-04-04. Review status: no assertion criteria provided. Collection method: clinical testing. Allele origin: germline. Not counted in ClinVar's aggregate classification.
Comment: The OFD1 c.61A>G variant is predicted to result in the amino acid substitution p.Lys21Glu. To our knowledge, this variant has not been reported in the literature. This variant is reported in 0.0036% of alleles in individuals of Latino descent in gnomAD, including one hemizygous invidual. At this time, the clinical significance of this variant is uncertain due to the absence of conclusive functional and genetic evidence.

NM_003611.3(OFD1):c.61A>G (p.Lys21Glu)

Genes: OFD1 (OFD1 centriole and centriolar satellite protein; plus strand), LOC126863212 (CDK7 strongly-dependent group 2 enhancer GRCh37_chrX:13752241-13753440; plus strand). Cytogenetic location: Xp22.2.
Variant type: single nucleotide variant.
Coding change: c.61A>G on transcript NM_003611.3 (MANE Select); coding-DNA position 61, A replaced by G.
Protein change: p.Lys21Glu; replaces lysine 21 with glutamic acid.
Molecular consequence: missense variant. On other transcripts: 5 prime UTR variant (1).
Genome position (GRCh38, 1-based): chrX:13,735,296, A>G. VCF-style: chrX-13735296-A-G. GRCh37 (hg19) VCF-style: chrX-13753415-A-G.
Other names: c.61A>G, p.Lys21Glu (NM_001330209.2); c.-485A>G (NM_001330210.2); c.61A>G (NM_003611.2); short protein forms K21E.
Identifiers: ClinVar variation 2150913 (VCV002150913.5), dbSNP rs1473408729, ClinGen allele CA412331593.
Genomic context (GRCh38, chrX:13,735,296, plus strand): 5'-TTTGTCTTTTAGTCCAACATGTTTACCGTGGCTGATGTGTTGAGTCAAGATGAACTGCGC[A>G]AAAAGCTATACCAGACGTTTAAGGATCGGGGTATACTGGATACACTCAAGGTATCGGATT-3'
Protein context (NP_003602.1, residues 11-31): ADVLSQDELR[Lys21Glu]KLYQTFKDRG